The following is an entry in ClinVar:

NM_001363.5(DKC1):c.197C>T (p.Thr66Ile)

Gene: DKC1 (dyskerin pseudouridine synthase 1; plus strand). Cytogenetic location: Xq28.
Variant type: single nucleotide variant.
Coding change: c.197C>T on transcript NM_001363.5 (MANE Select); coding-DNA position 197, C replaced by T.
Protein change: p.Thr66Ile; replaces threonine 66 with isoleucine.
Molecular consequence: missense variant. On other transcripts: non-coding transcript variant (3).
Genome position (GRCh38, 1-based): chrX:154,765,932, C>T. VCF-style: chrX-154765932-C-T. GRCh37 (hg19) VCF-style: chrX-153994207-C-T.
Other names: c.197C>T, p.Thr66Ile (NM_001142463.3, NM_001288747.2); short protein forms T66I.
Identifiers: ClinVar variation 2579111 (VCV002579111.25), dbSNP rs2523680452, ClinGen allele CA414889365.

ClinVar aggregate classification (germline): Likely pathogenic (1 of 4 stars; one submission).

Submission:

CeGaT Center for Human Genetics Tuebingen
Classification: Likely pathogenic. Last evaluated: 2023-07-01. Review status: criteria provided, single submitter. Criteria: CeGaT Center For Human Genetics Tuebingen Variant Classification Criteria Version 2. Collection method: clinical testing. Allele origin: germline. Affected: yes. Observed: 1 variant allele.
Comment: DKC1: PM1, PM2, PM5, PP2, PP3